The following is an entry in ClinVar:

ClinVar aggregate classification (germline): Uncertain significance (1 of 4 stars; one submission).

Conditions:
Retinoblastoma (RB1). Also called: RETINOBLASTOMA, SOMATIC. Identifiers: Orphanet 790, MedGen C0035335, MeSH D012175, MONDO:0008380, OMIM 180200, HP:0009919. Disease mechanism: loss of function. Inheritance: Both sporadic and heritable forms are tested..

Allele frequency attached by ClinVar (database versions not stated): gnomAD 0.00001.
gnomAD v4.1: 2 of 1,611,994 alleles (0.00012%); highest among the groups gnomAD compares: East Asian, 0.0022%; no homozygotes.

Submission:

Labcorp Genetics (formerly Invitae), Labcorp
Classification: Uncertain significance for Retinoblastoma. Last evaluated: 2019-11-01. Review status: criteria provided, single submitter. Criteria: Invitae Variant Classification Sherloc (09022015). Collection method: clinical testing. Allele origin: germline.
Comment: This sequence change replaces glycine with valine at codon 100 of the RB1 protein (p.Gly100Val). The glycine residue is highly conserved and there is a moderate physicochemical difference between glycine and valine. This variant is not present in population databases (ExAC no frequency). This variant has not been reported in the literature in individuals with RB1-related conditions. Algorithms developed to predict the effect of missense changes on protein structure and function (SIFT, PolyPhen-2, Align-GVGD) all suggest that this variant is likely to be disruptive, but these predictions have not been confirmed by published functional studies and their clinical significance is uncertain. Algorithms developed to predict the effect of sequence changes on RNA splicing suggest that this variant may create or strengthen a splice site, but this prediction has not been confirmed by published transcriptional studies. In summary, the available evidence is currently insufficient to determine the role of this variant in disease. Therefore, it has been classified as a Variant of Uncertain Significance.

NM_000321.3(RB1):c.299G>T (p.Gly100Val)

Gene: RB1 (RB transcriptional corepressor 1; plus strand). Cytogenetic location: 13q14.2.
Variant type: single nucleotide variant.
Coding change: c.299G>T on transcript NM_000321.3 (MANE Select); coding-DNA position 299, G replaced by T.
Protein change: p.Gly100Val; replaces glycine 100 with valine.
Molecular consequence: missense variant.
Genome position (GRCh38, 1-based): chr13:48,342,633, G>T. VCF-style: chr13-48342633-G-T. GRCh37 (hg19) VCF-style: chr13-48916769-G-T.
Other names: short protein forms G100V.
Identifiers: ClinVar variation 962303 (VCV000962303.1), dbSNP rs886050268, ClinGen allele CA388252389.